The following is an entry in ClinVar:

ClinVar aggregate classification (germline): Uncertain significance. Review status: criteria provided, multiple submitters, no conflicts (2 of 4 stars). 3 submissions from 3 submitters: Uncertain significance (3). Last evaluated 2025-08-22.

Conditions:
ARHGEF10-related disorder. Also called: ARHGEF10-related condition.

Allele frequency attached by ClinVar (database versions not stated): gnomAD exomes 0.00002 and 0.00005; gnomAD 0.00010 and 0.00013; ExAC 0.00011; TOPMed 0.00012; ESP Exome Variant Server 0.00023; 1000 Genomes Project 30x 0.00109; 1000 Genomes Project 0.00120.
gnomAD v4.1: 34 of 1,612,908 alleles (0.0021%); highest among the groups gnomAD compares: African/African-American, 0.031%; no homozygotes.

Submissions (3):

Ambry Genetics
Classification: Uncertain significance. Last evaluated: 2025-08-22. Review status: criteria provided, single submitter. Criteria: Ambry Variant Classification Scheme 2023. Collection method: clinical testing. Allele origin: germline.

PreventionGenetics, part of Exact Sciences
Classification: Uncertain significance for ARHGEF10-related condition. Last evaluated: 2025-04-03. Review status: criteria provided, single submitter. Criteria: ACMG Guidelines, 2015. Collection method: clinical testing. Allele origin: germline.
Comment: The ARHGEF10 c.1179G>C variant is predicted to result in the amino acid substitution p.Gln393His. To our knowledge, this variant has not been reported in the literature. This variant is reported in 0.044% of alleles in individuals of African descent in gnomAD. Although we suspect that this variant may be benign, at this time, the clinical significance of this variant is uncertain due to the absence of conclusive functional and genetic evidence.

Labcorp Genetics (formerly Invitae), Labcorp
Classification: Uncertain significance. Last evaluated: 2025-03-27. Review status: criteria provided, single submitter. Criteria: Invitae Variant Classification Sherloc (09022015). Collection method: clinical testing. Allele origin: germline.
Comment: This sequence change replaces glutamine, which is neutral and polar, with histidine, which is basic and polar, at codon 393 of the ARHGEF10 protein (p.Gln393His). This variant is present in population databases (rs142879329, gnomAD 0.05%). This variant has not been reported in the literature in individuals affected with ARHGEF10-related conditions. ClinVar contains an entry for this variant (Variation ID: 1447645). Invitae Evidence Modeling of protein sequence and biophysical properties (such as structural, functional, and spatial information, amino acid conservation, physicochemical variation, residue mobility, and thermodynamic stability) indicates that this missense variant is not expected to disrupt ARHGEF10 protein function with a negative predictive value of 80%. In summary, the available evidence is currently insufficient to determine the role of this variant in disease. Therefore, it has been classified as a Variant of Uncertain Significance.

NM_014629.4(ARHGEF10):c.1179G>C (p.Gln393His)

Gene: ARHGEF10 (Rho guanine nucleotide exchange factor 10; plus strand). Cytogenetic location: 8p23.3.
Variant type: single nucleotide variant.
Coding change: c.1179G>C on transcript NM_014629.4 (MANE Select); coding-DNA position 1179, G replaced by C.
Protein change: p.Gln393His; replaces glutamine 393 with histidine.
Molecular consequence: missense variant.
Genome position (GRCh38, 1-based): chr8:1,885,704, G>C. VCF-style: chr8-1885704-G-C. GRCh37 (hg19) VCF-style: chr8-1833870-G-C.
Other names: c.1065G>C, p.Gln355His (NM_001308152.2); c.1182G>C, p.Gln394His (NM_001308153.3); c.1179G>C (NM_014629.3); short protein forms Q393H, Q355H, Q418H, Q394H.
Identifiers: ClinVar variation 1447645 (VCV001447645.10), dbSNP rs142879329, ClinGen allele CA4600236.